The following is an entry in ClinVar:

ClinVar aggregate classification (germline): Uncertain significance (1 of 4 stars; one submission).

Allele frequency attached by ClinVar (database versions not stated): ExAC 0.00001; gnomAD exomes 0.00001 and 0.00002; gnomAD 0.00003 and 0.00004; TOPMed 0.00004.
gnomAD v4.1: 43 of 1,613,764 alleles (0.0027%); highest among the groups gnomAD compares: South Asian, 0.0044%; no homozygotes.

Submission:

Laboratory for Molecular Medicine, Mass General Brigham Personalized Medicine
Classification: Uncertain significance. Last evaluated: 2016-07-14. Review status: criteria provided, single submitter. Criteria: LMM Criteria. Collection method: clinical testing. Allele origin: germline. Observed: 1 variant allele.
Comment: The p.Thr34Met variant in TMIE has not been previously reported in individuals w ith hearing loss. This variant has been identified in 1/66582 European chromosom es by the Exome Aggregation Consortium (ExAC; db SNP rs763490939). Although this variant has been seen in the general population, its frequency is not high enough to rule out a pathogenic role. Computational p rediction tools and conservation analyses do not provide strong support for or a gainst an impact to the protein. In summary, the clinical significance of the p. Thr34Met variant is uncertain.

NM_147196.3(TMIE):c.101C>T (p.Thr34Met)

Gene: TMIE (transmembrane inner ear; plus strand). Cytogenetic location: 3p21.31.
Variant type: single nucleotide variant.
Coding change: c.101C>T on transcript NM_147196.3 (MANE Select); coding-DNA position 101, C replaced by T.
Protein change: p.Thr34Met; replaces threonine 34 with methionine.
Molecular consequence: missense variant. On other transcripts: 5 prime UTR variant (2).
Genome position (GRCh38, 1-based): chr3:46,705,797, C>T. VCF-style: chr3-46705797-C-T. GRCh37 (hg19) VCF-style: chr3-46747287-C-T.
Other names: c.-59C>T (NM_001370524.1, NM_001370525.1); short protein forms T34M.
Identifiers: ClinVar variation 505213 (VCV000505213.5), dbSNP rs763490939, ClinGen allele CA2357931.
Genomic context (GRCh38, chr3:46,705,797, plus strand): 5'-GTTCCAGCCAGCTGGCCTCTGCCTAACTCACTCCCCTCTCTCCTGACCCACAGCCCAGCA[C>T]GGCCCCACCCAAGCCCAAGCCGCCTCCGCTGACCAAGGAGACAGTGGTGTTCTGGGACAT-3'
Protein context (NP_671729.2, residues 24-44): GVAGQLVEPS[Thr34Met]APPKPKPPPL